The following is an entry in ClinVar:

ClinVar aggregate classification (germline): Uncertain significance (1 of 4 stars; one submission).

Conditions:
Maple syrup urine disease (MSUD). Identifiers: Orphanet 511, MedGen C0024776, MeSH D008375, MONDO:0009563. Disease mechanism: loss of function.

Allele frequency attached by ClinVar (database versions not stated): TOPMed below 0.00001.

Submission:

Labcorp Genetics (formerly Invitae), Labcorp
Classification: Uncertain significance for Maple syrup urine disease. Last evaluated: 2024-07-22. Review status: criteria provided, single submitter. Criteria: Invitae Variant Classification Sherloc (09022015). Collection method: clinical testing. Allele origin: germline.
Comment: This sequence change replaces valine, which is neutral and non-polar, with alanine, which is neutral and non-polar, at codon 265 of the BCKDHB protein (p.Val265Ala). This variant is not present in population databases (gnomAD no frequency). This variant has not been reported in the literature in individuals affected with BCKDHB-related conditions. ClinVar contains an entry for this variant (Variation ID: 2004251). Advanced modeling of protein sequence and biophysical properties (such as structural, functional, and spatial information, amino acid conservation, physicochemical variation, residue mobility, and thermodynamic stability) performed at Invitae indicates that this missense variant is expected to disrupt BCKDHB protein function with a positive predictive value of 80%. In summary, the available evidence is currently insufficient to determine the role of this variant in disease. Therefore, it has been classified as a Variant of Uncertain Significance.

NM_183050.4(BCKDHB):c.794T>C (p.Val265Ala)

Gene: BCKDHB (branched chain keto acid dehydrogenase E1 subunit beta; plus strand). Cytogenetic location: 6q14.1.
Variant type: single nucleotide variant.
Coding change: c.794T>C on transcript NM_183050.4 (MANE Select); coding-DNA position 794, T replaced by C.
Protein change: p.Val265Ala; replaces valine 265 with alanine.
Molecular consequence: missense variant. On other transcripts: non-coding transcript variant (1).
Genome position (GRCh38, 1-based): chr6:80,200,985, T>C. VCF-style: chr6-80200985-T-C. GRCh37 (hg19) VCF-style: chr6-80910702-T-C.
Other names: c.794T>C, p.Val265Ala (NM_000056.5); c.584T>C, p.Val195Ala (NM_001318975.1); short protein forms V195A, V265A.
Identifiers: ClinVar variation 2004251 (VCV002004251.3), dbSNP rs1774365693, ClinGen allele CA364659994.
Genomic context (GRCh38, chr6:80,200,985, plus strand): 5'-TGTATTTAGCGGAAGAAGTCCCTATAGAACCATACAACATCCCACTGTCCCAGGCCGAAG[T>C]CATACAGGAAGGGAGTGATGTTACTCTAGTTGCCTGGGGCACTCAGGTGAGTAGCATTGA-3'
Protein context (NP_898871.1, residues 255-275): PYNIPLSQAE[Val265Ala]IQEGSDVTLV